The following is an entry in ClinVar:

NM_001085049.3(MRAS):c.330C>T (p.Ile110=)

Gene: MRAS (muscle RAS oncogene homolog; plus strand). Cytogenetic location: 3q22.3.
Variant type: single nucleotide variant.
Coding change: c.330C>T on transcript NM_001085049.3 (MANE Select); coding-DNA position 330, C replaced by T.
Protein change: p.Ile110=; no amino-acid change (isoleucine 110 retained).
Molecular consequence: synonymous variant.
Genome position (GRCh38, 1-based): chr3:138,397,460, C>T. VCF-style: chr3-138397460-C-T. GRCh37 (hg19) VCF-style: chr3-138116302-C-T.
Other names: c.330C>T, p.Ile110= (NM_001252090.2, NM_012219.4); c.102C>T, p.Ile34= (NM_001252091.1, NM_001252092.2, NM_001252093.2).
Identifiers: ClinVar variation 1601704 (VCV001601704.13), dbSNP rs151130678, ClinGen allele CA2636978.

ClinVar aggregate classification (germline): Benign/Likely benign. Review status: criteria provided, multiple submitters, no conflicts (2 of 4 stars). 4 submissions from 4 submitters: Benign (2); Likely benign (1). 1 of the submissions does not count toward it. Last evaluated 2026-05-12.

Conditions:
MRAS-related disorder. Also called: MRAS-related condition.
Inborn genetic diseases. Identifiers: MedGen C0950123, MeSH D030342.

Allele frequency attached by ClinVar (database versions not stated): gnomAD exomes 0.00004 and 0.00007; ExAC 0.00007; ESP Exome Variant Server 0.00023; gnomAD 0.00028 and 0.00027; TOPMed 0.00031; 1000 Genomes Project 0.00020; 1000 Genomes Project 30x 0.00031.
gnomAD v4.1: 94 of 1,614,110 alleles (0.0058%); highest among the groups gnomAD compares: African/African-American, 0.11%; no homozygotes.

Submissions (4):

Women's Health and Genetics/Laboratory Corporation of America, LabCorp
Classification: Benign. Last evaluated: 2026-05-12. Review status: criteria provided, single submitter. Criteria: LabCorp Variant Classification Summary - May 2015. Collection method: clinical testing. Allele origin: germline.

Labcorp Genetics (formerly Invitae), Labcorp
Classification: Benign. Last evaluated: 2026-01-21. Review status: criteria provided, single submitter. Criteria: Invitae Variant Classification Sherloc (09022015). Collection method: clinical testing. Allele origin: germline.

Ambry Genetics
Classification: Likely benign for Inborn genetic diseases. Last evaluated: 2022-03-12. Review status: criteria provided, single submitter. Criteria: Ambry Variant Classification Scheme 2023. Collection method: clinical testing. Allele origin: germline.

PreventionGenetics, part of Exact Sciences
Classification: Likely benign for MRAS-related condition. Last evaluated: 2020-08-24. Review status: no assertion criteria provided. Collection method: clinical testing. Allele origin: germline. Not counted in ClinVar's aggregate classification.
Comment: This variant is classified as likely benign based on ACMG/AMP sequence variant interpretation guidelines (Richards et al. 2015 PMID: 25741868, with internal and published modifications).